The following is an entry in ClinVar:

NM_001354768.3(NRL):c.335G>T (p.Gly112Val)

Gene: NRL (neural retina leucine zipper; minus strand). Cytogenetic location: 14q11.2.
Variant type: single nucleotide variant.
Coding change: c.335G>T on transcript NM_001354768.3 (MANE Select); coding-DNA position 335, G replaced by T.
Protein change: p.Gly112Val; replaces glycine 112 with valine.
Molecular consequence: missense variant. On other transcripts: intron variant (1).
Genome position (GRCh38, 1-based): chr14:24,082,514, C>A on the plus strand (G>T on the coding strand, the complement: NRL is on the minus strand). VCF-style: chr14-24082514-C-A. GRCh37 (hg19) VCF-style: chr14-24551723-C-A.
Other names: c.335G>T, p.Gly112Val (NM_001354769.1, NM_006177.5); c.66+269G>T (NM_001354770.2); short protein forms G112V.
Identifiers: ClinVar variation 1025699 (VCV001025699.8), dbSNP rs2036345078, ClinGen allele CA389279566.

ClinVar aggregate classification (germline): Uncertain significance (1 of 4 stars; one submission).

Submission:

Labcorp Genetics (formerly Invitae), Labcorp
Classification: Uncertain significance. Last evaluated: 2022-07-26. Review status: criteria provided, single submitter. Criteria: Invitae Variant Classification Sherloc (09022015). Collection method: clinical testing. Allele origin: germline.
Comment: This variant is not present in population databases (gnomAD no frequency). This sequence change replaces glycine, which is neutral and non-polar, with valine, which is neutral and non-polar, at codon 112 of the NRL protein (p.Gly112Val). This variant has not been reported in the literature in individuals affected with NRL-related conditions. ClinVar contains an entry for this variant (Variation ID: 1025699). Algorithms developed to predict the effect of missense changes on protein structure and function (SIFT, PolyPhen-2, Align-GVGD) all suggest that this variant is likely to be tolerated. Algorithms developed to predict the effect of sequence changes on RNA splicing suggest that this variant may create or strengthen a splice site. In summary, the available evidence is currently insufficient to determine the role of this variant in disease. Therefore, it has been classified as a Variant of Uncertain Significance.